The following is an entry in ClinVar:

NM_020699.4(GATAD2B):c.854T>C (p.Val285Ala)

Gene: GATAD2B (GATA zinc finger domain containing 2B; minus strand). Cytogenetic location: 1q21.3.
Variant type: single nucleotide variant.
Coding change: c.854T>C on transcript NM_020699.4 (MANE Select); coding-DNA position 854, T replaced by C.
Protein change: p.Val285Ala; replaces valine 285 with alanine.
Molecular consequence: missense variant.
Genome position (GRCh38, 1-based): chr1:153,817,418, A>G on the plus strand (T>C on the coding strand, the complement: GATAD2B is on the minus strand). VCF-style: chr1-153817418-A-G. GRCh37 (hg19) VCF-style: chr1-153789894-A-G.
Other names: c.854T>C (NM_020699.2); short protein forms V285A.
Identifiers: ClinVar variation 1474413 (VCV001474413.13), dbSNP rs370689496, ClinGen allele CA1120758.
Genomic context (GRCh38, chr1:153,817,418, plus strand): 5'-CAGCTCTCTCTTACCGGTTGATAATTGATGGCGGGATTCATGTTGGGTGTTGTGGTGCGT[A>G]CAAGGCCAGGCTTAGGCGGGCCCCGCTGACCCTGTAGCTGGGCTGGGTTTGGTGCAATAA-3'
Protein context (NP_065750.1, residues 275-295): GQRGPPKPGL[Val285Ala]RTTTPNMNPA

ClinVar aggregate classification (germline): Conflicting classifications of pathogenicity. Review status: criteria provided, conflicting classifications (1 of 4 stars). 4 submissions from 4 submitters: Uncertain significance (3); Likely benign (1). Last evaluated 2025-10-15.

Conditions:
Severe intellectual disability-poor language-strabismus-grimacing face-long fingers syndrome (GAND). Also called: GAND SYNDROME. Identifiers: Orphanet 363686, MedGen C3554448, MONDO:0014034, OMIM 615074.
Inborn genetic diseases. Identifiers: MedGen C0950123, MeSH D030342.

Allele frequency attached by ClinVar (database versions not stated): gnomAD 0.00001; ExAC 0.00003; TOPMed 0.00003; gnomAD exomes 0.00006 and 0.00010; ESP Exome Variant Server 0.00015.
gnomAD v4.1: 143 of 1,609,514 alleles (0.0089%); highest among the groups gnomAD compares: Non-Finnish European, 0.012%; 1 homozygote.

Submissions (4):

Ambry Genetics
Classification: Likely benign for Inborn genetic diseases. Last evaluated: 2025-10-15. Review status: criteria provided, single submitter. Criteria: Ambry Variant Classification Scheme 2023. Collection method: clinical testing. Allele origin: germline.

Labcorp Genetics (formerly Invitae), Labcorp
Classification: Uncertain significance. Last evaluated: 2024-12-24. Review status: criteria provided, single submitter. Criteria: Invitae Variant Classification Sherloc (09022015). Collection method: clinical testing. Allele origin: germline.
Comment: This sequence change replaces valine, which is neutral and non-polar, with alanine, which is neutral and non-polar, at codon 285 of the GATAD2B protein (p.Val285Ala). This variant is present in population databases (rs370689496, gnomAD 0.01%). This variant has not been reported in the literature in individuals affected with GATAD2B-related conditions. ClinVar contains an entry for this variant (Variation ID: 1474413). Invitae Evidence Modeling of protein sequence and biophysical properties (such as structural, functional, and spatial information, amino acid conservation, physicochemical variation, residue mobility, and thermodynamic stability) indicates that this missense variant is not expected to disrupt GATAD2B protein function with a negative predictive value of 80%. In summary, the available evidence is currently insufficient to determine the role of this variant in disease. Therefore, it has been classified as a Variant of Uncertain Significance.

Genome-Nilou Lab
Classification: Uncertain significance for Severe intellectual disability-poor language-strabismus-grimacing face-long fingers syndrome. Last evaluated: 2023-04-11. Review status: criteria provided, single submitter. Criteria: ACMG Guidelines, 2015. Collection method: clinical testing. Allele origin: germline. Affected: no.

Revvity Omics, Revvity
Classification: Uncertain significance for Severe intellectual disability-poor language-strabismus-grimacing face-long fingers syndrome. Last evaluated: 2020-03-24. Review status: criteria provided, single submitter. Criteria: ACMG Guidelines, 2015. Collection method: clinical testing. Allele origin: germline.